The following is an entry in ClinVar:

ClinVar aggregate classification (germline): Uncertain significance. Review status: criteria provided, multiple submitters, no conflicts (2 of 4 stars). 2 submissions from 2 submitters: Uncertain significance (2). Last evaluated 2026-09-05.

Conditions:
Hereditary cancer-predisposing syndrome. Also called: Tumor predisposition; Hereditary Cancer Syndrome; Hereditary neoplastic syndrome; Neoplastic Syndromes, Hereditary. Identifiers: Orphanet 140162, MedGen C0027672, MeSH D009386, MONDO:0015356.

Submissions (2):

Ambry Genetics
Classification: Uncertain significance for Hereditary cancer-predisposing syndrome. Last evaluated: 2026-09-05. Review status: criteria provided, single submitter. Criteria: Ambry Variant Classification Scheme 2023. Collection method: clinical testing. Allele origin: germline.
Comment: The p.A776S variant (also known as c.2326G>T), located in coding exon 17 of the MSH3 gene, results from a G to T substitution at nucleotide position 2326. The alanine at codon 776 is replaced by serine, an amino acid with similar properties. This amino acid position is conserved. In addition, the in silico prediction for this alteration is inconclusive. Based on the available evidence, the clinical significance of this variant remains unclear.

Labcorp Genetics (formerly Invitae), Labcorp
Classification: Uncertain significance. Last evaluated: 2022-01-17. Review status: criteria provided, single submitter. Criteria: Invitae Variant Classification Sherloc (09022015). Collection method: clinical testing. Allele origin: germline.
Comment: In summary, the available evidence is currently insufficient to determine the role of this variant in disease. Therefore, it has been classified as a Variant of Uncertain Significance. Algorithms developed to predict the effect of missense changes on protein structure and function are either unavailable or do not agree on the potential impact of this missense change (SIFT: "Tolerated"; PolyPhen-2: "Possibly Damaging"; Align-GVGD: "Class C0"). This variant has not been reported in the literature in individuals affected with MSH3-related conditions. This variant is not present in population databases (gnomAD no frequency). This sequence change replaces alanine, which is neutral and non-polar, with serine, which is neutral and polar, at codon 776 of the MSH3 protein (p.Ala776Ser).

NM_002439.5(MSH3):c.2326G>T (p.Ala776Ser)

Gene: MSH3 (mutS homolog 3; plus strand). Cytogenetic location: 5q14.1.
Variant type: single nucleotide variant.
Coding change: c.2326G>T on transcript NM_002439.5 (MANE Select); coding-DNA position 2326, G replaced by T.
Protein change: p.Ala776Ser; replaces alanine 776 with serine.
Molecular consequence: missense variant.
Genome position (GRCh38, 1-based): chr5:80,778,727, G>T. VCF-style: chr5-80778727-G-T. GRCh37 (hg19) VCF-style: chr5-80074546-G-T.
Other names: c.2326G>T (NM_002439.3); short protein forms A776S.
Identifiers: ClinVar variation 2086990 (VCV002086990.5), dbSNP rs1744350390, ClinGen allele CA360281717.